The following is an entry in ClinVar:

NM_001005242.3(PKP2):c.1379-1980C>G

Gene: PKP2 (plakophilin 2; minus strand). Cytogenetic location: 12p11.21.
Variant type: single nucleotide variant.
Coding change: c.1379-1980C>G on transcript NM_001005242.3 (MANE Select); 1980 bases into the intron before coding-DNA position 1379, C replaced by G.
Molecular consequence: intron variant. On other transcripts: missense variant (2).
Genome position (GRCh38, 1-based): chr12:32,843,185, G>C on the plus strand (C>G on the coding strand, the complement: PKP2 is on the minus strand). VCF-style: chr12-32843185-G-C. GRCh37 (hg19) VCF-style: chr12-32996119-G-C.
Other names: c.1507C>G, p.His503Asp (NM_001407157.1, NM_004572.4); short protein forms H503D.
Identifiers: ClinVar variation 1906099 (VCV001906099.6), dbSNP rs1956613914, ClinGen allele CA384368552.

ClinVar aggregate classification (germline): Uncertain significance. Review status: criteria provided, multiple submitters, no conflicts (2 of 4 stars). 2 submissions from 2 submitters: Uncertain significance (2). Last evaluated 2023-11-20.

Conditions:
Arrhythmogenic right ventricular cardiomyopathy (ARVD). Also called: Cardiomyopathy, ARVC; Arrhythmogenic right ventricular dysplasia; Arrhythmogenic cardiomyopathy; Arrhythmogenic Right Ventricular Cardiomyopathy (ARVC). Identifiers: Orphanet 247, MedGen C0349788, MeSH D019571, MONDO:0016587. Disease mechanism: loss of function. Inheritance: Various modes of inheritance.
Arrhythmogenic right ventricular dysplasia 9 (ARVD9). Also called: Arrhythmogenic Right Ventricular Dysplasia/Cardiomyopathy 9; ARRHYTHMOGENIC RIGHT VENTRICULAR DYSPLASIA, FAMILIAL, 9. Identifiers: MedGen C1836906, MONDO:0012180, OMIM 609040.

Submissions (2):

All of Us Research Program, National Institutes of Health
Classification: Uncertain significance for Arrhythmogenic right ventricular cardiomyopathy. Last evaluated: 2023-11-20. Review status: criteria provided, single submitter. Criteria: ACMG Guidelines, 2015. Collection method: clinical testing. Allele origin: germline. Inheritance: Autosomal dominant inheritance. Observed: 1 variant allele, 1 heterozygote.
Comment: This missense variant replaces histidine with aspartic acid at codon 503 of the PKP2 protein. Computational prediction suggests that this variant may not impact protein structure and function (internally defined REVEL score threshold <= 0.5, PMID: 27666373). To our knowledge, functional studies have not been reported for this variant. This variant has not been reported in individuals affected with PKP2-related disorders in the literature. This variant has not been identified in the general population by the Genome Aggregation Database (gnomAD). The available evidence is insufficient to determine the role of this variant in disease conclusively. Therefore, this variant is classified as a Variant of Uncertain Significance.

This study involves interpretation of variants in research participants for the purpose of population health screening. Participant phenotype was not available at the time of variant classification. Additional details can be found in publication PMID: 35346344, PMCID: PMC8962531

Labcorp Genetics (formerly Invitae), Labcorp
Classification: Uncertain significance for Arrhythmogenic right ventricular dysplasia 9. Last evaluated: 2022-07-22. Review status: criteria provided, single submitter. Criteria: Invitae Variant Classification Sherloc (09022015). Collection method: clinical testing. Allele origin: germline.
Comment: In summary, the available evidence is currently insufficient to determine the role of this variant in disease. Therefore, it has been classified as a Variant of Uncertain Significance. Algorithms developed to predict the effect of missense changes on protein structure and function are either unavailable or do not agree on the potential impact of this missense change (SIFT: "Deleterious"; PolyPhen-2: "Benign"; Align-GVGD: "Class C0"). This variant has not been reported in the literature in individuals affected with PKP2-related conditions. This variant is not present in population databases (gnomAD no frequency). This sequence change replaces histidine, which is basic and polar, with aspartic acid, which is acidic and polar, at codon 503 of the PKP2 protein (p.His503Asp).